The following is an entry in ClinVar:

ClinVar aggregate classification (germline): Uncertain significance (1 of 4 stars; one submission).

Conditions:
Inborn genetic diseases. Identifiers: MedGen C0950123, MeSH D030342.

Submission:

Ambry Genetics
Classification: Uncertain significance for Inborn genetic diseases. Last evaluated: 2025-07-04. Review status: criteria provided, single submitter. Criteria: Ambry Variant Classification Scheme 2023. Collection method: clinical testing. Allele origin: germline.
Comment: The p.Q467P variant (also known as c.1400A>C), located in coding exon 6 of the SH2B3 gene, results from an A to C substitution at nucleotide position 1400. The glutamine at codon 467 is replaced by proline, an amino acid with similar properties. This amino acid position is conserved. In addition, this alteration is predicted to be tolerated by in silico analysis. Based on the available evidence, the clinical significance of this variant remains unclear.

NM_005475.3(SH2B3):c.1400A>C (p.Gln467Pro)

Gene: SH2B3 (SH2B adaptor protein 3; plus strand). Cytogenetic location: 12q24.12.
Variant type: single nucleotide variant.
Coding change: c.1400A>C on transcript NM_005475.3 (MANE Select); coding-DNA position 1400, A replaced by C.
Protein change: p.Gln467Pro; replaces glutamine 467 with proline.
Molecular consequence: missense variant.
Genome position (GRCh38, 1-based): chr12:111,447,819, A>C. VCF-style: chr12-111447819-A-C. GRCh37 (hg19) VCF-style: chr12-111885623-A-C.
Other names: c.794A>C, p.Gln265Pro (NM_001291424.1); short protein forms Q265P, Q467P.
Identifiers: ClinVar variation 4163930 (VCV004163930.1).